The following is an entry in ClinVar:

NM_000289.6(PFKM):c.1374C>G (p.Gly458=)

Gene: PFKM (phosphofructokinase, muscle; plus strand). Cytogenetic location: 12q13.11.
Variant type: single nucleotide variant.
Coding change: c.1374C>G on transcript NM_000289.6 (MANE Select); coding-DNA position 1374, C replaced by G.
Protein change: p.Gly458=; no amino-acid change (glycine 458 retained).
Molecular consequence: synonymous variant. On other transcripts: non-coding transcript variant (6).
Genome position (GRCh38, 1-based): chr12:48,141,343, C>G. VCF-style: chr12-48141343-C-G. GRCh37 (hg19) VCF-style: chr12-48535126-C-G.
Other names: c.1224C>G, p.Gly408= (NM_001354748.2, NM_001354747.2); c.1281C>G, p.Gly427= (NM_001363619.2); c.1587C>G, p.Gly529= (NM_001166686.2, NM_001354737.1, NM_001354738.1 and 1 more transcripts); c.1374C>G, p.Gly458= (NM_001166687.2, NM_001166688.2, NM_001354742.2 and 2 more transcripts); c.1683C>G, p.Gly561= (NM_001354735.1, NM_001354736.1); c.1518C>G, p.Gly506= (NM_001354740.1); c.1398C>G, p.Gly466= (NM_001354741.2); c.1287C>G, p.Gly429= (NM_001354745.2); and 1 more.
Identifiers: ClinVar variation 1157556 (VCV001157556.32), dbSNP rs765683112, ClinGen allele CA6537333.

ClinVar aggregate classification (germline): Likely benign. Review status: criteria provided, multiple submitters, no conflicts (2 of 4 stars). 2 submissions from 2 submitters: Likely benign (2). Last evaluated 2023-11-15.

Conditions:
Glycogen storage disease, type VII (GSD7). Also called: GSD VII; MUSCLE PHOSPHOFRUCTOKINASE DEFICIENCY; PFKM DEFICIENCY; TARUI DISEASE. Identifiers: Orphanet 371, MedGen C0017926, MONDO:0009295, OMIM 232800.

Allele frequency attached by ClinVar (database versions not stated): gnomAD exomes below 0.00001 and 0.00001; ExAC 0.00002.
gnomAD v4.1: 5 of 1,614,088 alleles (0.00031%); highest among the groups gnomAD compares: Middle Eastern, 0.016%; no homozygotes.

Submissions (2):

Labcorp Genetics (formerly Invitae), Labcorp
Classification: Likely benign for Glycogen storage disease, type VII. Last evaluated: 2023-11-15. Review status: criteria provided, single submitter. Criteria: Invitae Variant Classification Sherloc (09022015). Collection method: clinical testing. Allele origin: germline.

CeGaT Center for Human Genetics Tuebingen
Classification: Likely benign. Last evaluated: 2022-11-01. Review status: criteria provided, single submitter. Criteria: CeGaT Center For Human Genetics Tuebingen Variant Classification Criteria Version 2. Collection method: clinical testing. Allele origin: germline. Affected: yes. Observed: 1 variant allele.
Comment: PFKM: BP4, BP7